The following is an entry in ClinVar:

ClinVar aggregate classification (germline): Benign/Likely benign. Review status: criteria provided, multiple submitters, no conflicts (2 of 4 stars). 3 submissions from 3 submitters: Benign (1); Likely benign (2). Last evaluated 2024-10-29.

Conditions:
Hereditary cancer-predisposing syndrome. Also called: Neoplastic Syndromes, Hereditary; Tumor predisposition; Hereditary neoplastic syndrome; Hereditary Cancer Syndrome. Identifiers: Orphanet 140162, MedGen C0027672, MeSH D009386, MONDO:0015356.
Prostate cancer, hereditary, 9 (HPC9). Identifiers: Orphanet 1331, MedGen C1970250, MONDO:0012597, OMIM 610997.

gnomAD v4.1: 1 of 1,614,186 alleles (0.000062%); highest among the groups gnomAD compares: East Asian, 0.0022%; no homozygotes.

Submissions (3):

Myriad Genetics, Inc.
Classification: Benign for Prostate cancer, hereditary, 9. Last evaluated: 2024-10-29. Review status: criteria provided, single submitter. Criteria: Myriad Autosomal Dominant, Autosomal Recessive and X-Linked Classification Criteria (2023). Collection method: clinical testing. Allele origin: unknown.
Comment: This variant is considered benign. This variant is a silent/synonymous amino acid change and it is not expected to impact splicing.

Labcorp Genetics (formerly Invitae), Labcorp
Classification: Likely benign. Last evaluated: 2024-04-18. Review status: criteria provided, single submitter. Criteria: Invitae Variant Classification Sherloc (09022015). Collection method: clinical testing. Allele origin: germline.

Ambry Genetics
Classification: Likely benign for Hereditary cancer-predisposing syndrome. Last evaluated: 2019-06-18. Review status: criteria provided, single submitter. Criteria: Ambry Variant Classification Scheme 2023. Collection method: clinical testing. Allele origin: germline.

NM_006361.6(HOXB13):c.330C>T (p.Pro110=)

Gene: HOXB13 (homeobox B13; minus strand). Cytogenetic location: 17q21.32.
Variant type: single nucleotide variant.
Coding change: c.330C>T on transcript NM_006361.6 (MANE Select); coding-DNA position 330, C replaced by T.
Protein change: p.Pro110=; no amino-acid change (proline 110 retained).
Molecular consequence: synonymous variant.
Genome position (GRCh38, 1-based): chr17:48,728,264, G>A on the plus strand (C>T on the coding strand, the complement: HOXB13 is on the minus strand). VCF-style: chr17-48728264-G-A. GRCh37 (hg19) VCF-style: chr17-46805626-G-A.
Identifiers: ClinVar variation 823558 (VCV000823558.7), dbSNP rs33993186, ClinGen allele CA500661903.